The following is an entry in ClinVar:

NM_001282933.2(ZNF341):c.58G>A (p.Val20Ile)

Gene: ZNF341 (zinc finger protein 341; plus strand). Cytogenetic location: 20q11.22.
Variant type: single nucleotide variant.
Coding change: c.58G>A on transcript NM_001282933.2 (MANE Select); coding-DNA position 58, G replaced by A.
Protein change: p.Val20Ile; replaces valine 20 with isoleucine.
Molecular consequence: missense variant. On other transcripts: 5 prime UTR variant (1), non-coding transcript variant (1).
Genome position (GRCh38, 1-based): chr20:33,740,928, G>A. VCF-style: chr20-33740928-G-A. GRCh37 (hg19) VCF-style: chr20-32328734-G-A.
Other names: c.-16G>A (NM_001282935.2); c.58G>A, p.Val20Ile (NM_032819.5); short protein forms V20I.
Identifiers: ClinVar variation 3646863 (VCV003646863.2).

ClinVar aggregate classification (germline): Uncertain significance (1 of 4 stars; one submission).

Submission:

Labcorp Genetics (formerly Invitae), Labcorp
Classification: Uncertain significance. Last evaluated: 2024-03-19. Review status: criteria provided, single submitter. Criteria: Invitae Variant Classification Sherloc (09022015). Collection method: clinical testing. Allele origin: germline.
Comment: This sequence change replaces valine, which is neutral and non-polar, with isoleucine, which is neutral and non-polar, at codon 20 of the ZNF341 protein (p.Val20Ile). This variant is not present in population databases (gnomAD no frequency). This variant has not been reported in the literature in individuals affected with ZNF341-related conditions. An algorithm developed to predict the effect of missense changes on protein structure and function (PolyPhen-2) suggests that this variant is likely to be disruptive. In summary, the available evidence is currently insufficient to determine the role of this variant in disease. Therefore, it has been classified as a Variant of Uncertain Significance.